The following is an entry in ClinVar:

ClinVar aggregate classification (germline): Uncertain significance (1 of 4 stars; one submission).

Conditions:
Hereditary cancer-predisposing syndrome. Also called: Tumor predisposition; Hereditary neoplastic syndrome; Hereditary Cancer Syndrome; Neoplastic Syndromes, Hereditary. Identifiers: Orphanet 140162, MedGen C0027672, MeSH D009386, MONDO:0015356.

Submission:

Ambry Genetics
Classification: Uncertain significance for Hereditary cancer-predisposing syndrome. Last evaluated: 2025-05-18. Review status: criteria provided, single submitter. Criteria: Ambry Variant Classification Scheme 2023. Collection method: clinical testing. Allele origin: germline.
Comment: The p.E1004D variant (also known as c.3012G>T), located in coding exon 21 of the PDGFRA gene, results from a G to T substitution at nucleotide position 3012. The glutamic acid at codon 1004 is replaced by aspartic acid, an amino acid with highly similar properties. This amino acid position is conserved. In addition, the in silico prediction for this alteration is inconclusive. Based on the available evidence, the clinical significance of this variant remains unclear.

NM_006206.6(PDGFRA):c.3012G>T (p.Glu1004Asp)

Gene: PDGFRA (platelet derived growth factor receptor alpha; plus strand). Cytogenetic location: 4q12.
Variant type: single nucleotide variant.
Coding change: c.3012G>T on transcript NM_006206.6 (MANE Select); coding-DNA position 3012, G replaced by T.
Protein change: p.Glu1004Asp; replaces glutamic acid 1004 with aspartic acid.
Molecular consequence: missense variant.
Genome position (GRCh38, 1-based): chr4:54,290,444, G>T. VCF-style: chr4-54290444-G-T. GRCh37 (hg19) VCF-style: chr4-55156611-G-T.
Other names: c.3087G>T, p.Glu1029Asp (NM_001347828.2); c.3012G>T, p.Glu1004Asp (NM_001347829.2); c.3051G>T, p.Glu1017Asp (NM_001347830.2); short protein forms E1017D, E1004D, E1029D.
Identifiers: ClinVar variation 3930220 (VCV003930220.1).